The following is an entry in ClinVar:

NM_004187.5(KDM5C):c.1681C>G (p.Pro561Ala)

Gene: KDM5C (lysine demethylase 5C; minus strand). Cytogenetic location: Xp11.22.
Variant type: single nucleotide variant.
Coding change: c.1681C>G on transcript NM_004187.5 (MANE Select); coding-DNA position 1681, C replaced by G.
Protein change: p.Pro561Ala; replaces proline 561 with alanine.
Molecular consequence: missense variant. On other transcripts: non-coding transcript variant (3).
Genome position (GRCh38, 1-based): chrX:53,210,479, G>C on the plus strand (C>G on the coding strand, the complement: KDM5C is on the minus strand). VCF-style: chrX-53210479-G-C. GRCh37 (hg19) VCF-style: chrX-53239661-G-C.
Other names: c.1480C>G, p.Pro494Ala (NM_001146702.2); c.1678C>G, p.Pro560Ala (NM_001282622.3, NM_001353979.2, NM_001353982.2); c.1681C>G, p.Pro561Ala (NM_001353978.3, NM_001353981.2, NM_001353984.2); short protein forms P494A, P560A, P561A.
Identifiers: ClinVar variation 1683616 (VCV001683616.2), dbSNP rs2146914266, ClinGen allele CA413127444.

ClinVar aggregate classification (germline): Uncertain significance (1 of 4 stars; one submission).

Conditions:
Intellectual developmental disorder, X-linked, syndromic, Claes-Jensen type. Also called: Syndromic X-linked intellectual disability Claes-Jensen type; INTELLECTUAL DEVELOPMENTAL DISORDER, X-LINKED, SYNDROMIC 16; MENTAL RETARDATION, X-LINKED, SYNDROMIC 16. Identifiers: Orphanet 85279, MedGen C1845243, MONDO:0010355, OMIM 300534.

Submission:

Laboratorio de Genetica e Diagnostico Molecular, Hospital Israelita Albert Einstein
Classification: Uncertain significance for Intellectual developmental disorder, X-linked, syndromic, Claes-Jensen type. Last evaluated: 2022-02-08. Review status: criteria provided, single submitter. Criteria: ACMG Guidelines, 2015. Collection method: clinical testing. Allele origin: germline. Affected: yes.
Comment: ACMG classification criteria: PM2 moderate, PP2 supporting